The following is an entry in ClinVar:

ClinVar aggregate classification (germline): Likely benign (1 of 4 stars; one submission).

Allele frequency attached by ClinVar (database versions not stated): gnomAD 0.01678 and 0.01697.
gnomAD v4.1: 786 of 46,666 alleles (1.7%); highest among the groups gnomAD compares: African/African-American, 5.8%; 45 homozygotes.

Submission:

GeneDx
Classification: Likely benign. Last evaluated: 2018-06-19. Review status: criteria provided, single submitter. Criteria: GeneDx Variant Classification (06012015). Collection method: clinical testing. Allele origin: germline. Affected: yes.
Comment: This variant is considered likely benign or benign based on one or more of the following criteria: it is a conservative change, it occurs at a poorly conserved position in the protein, it is predicted to be benign by multiple in silico algorithms, and/or has population frequency not consistent with disease.

NM_001244008.2(KIF1A):c.430-255G>A

Gene: KIF1A (kinesin family member 1A; minus strand). Cytogenetic location: 2q37.3.
Variant type: single nucleotide variant.
Coding change: c.430-255G>A on transcript NM_001244008.2 (MANE Select); 255 bases into the intron before coding-DNA position 430, G replaced by A.
Molecular consequence: intron variant.
Genome position (GRCh38, 1-based): chr2:240,786,768, C>T on the plus strand (G>A on the coding strand, the complement: KIF1A is on the minus strand). VCF-style: chr2-240786768-C-T. GRCh37 (hg19) VCF-style: chr2-241726185-C-T.
Other names: c.430-255G>A (NM_001379653.1, NM_001379650.1, NM_001379645.1 and 20 more transcripts).
Identifiers: ClinVar variation 668748 (VCV000668748.1), dbSNP rs1007401420, ClinGen allele CA68141489.